The following is an entry in ClinVar:

ClinVar aggregate classification (germline): Uncertain significance. Review status: criteria provided, multiple submitters, no conflicts (2 of 4 stars). 2 submissions from 2 submitters: Uncertain significance (2). Last evaluated 2024-08-28.

Conditions:
Ehlers-Danlos syndrome, type 4 (EDSVASC). Also called: Ehlers-Danlos Syndrome Type IV; Ehlers-Danlos syndrome vascular type; Ehlers Danlos syndrome, ecchymotic type; Ehlers Danlos syndrome, arterial type; Ehlers Danlos syndrome, Sack-Barabas type. Identifiers: Orphanet 286, MedGen C0268338, MONDO:0017314, OMIM 130050.
Familial thoracic aortic aneurysm and aortic dissection (TAAD). Also called: Thoracic aortic aneurysms and dissections. Identifiers: Orphanet 91387, MedGen C4707243, MONDO:0019625.

Submissions (2):

Labcorp Genetics (formerly Invitae), Labcorp
Classification: Uncertain significance for Ehlers-Danlos syndrome, type 4. Last evaluated: 2024-08-28. Review status: criteria provided, single submitter. Criteria: Invitae Variant Classification Sherloc (09022015). Collection method: clinical testing. Allele origin: germline.
Comment: This sequence change replaces proline, which is neutral and non-polar, with arginine, which is basic and polar, at codon 659 of the COL3A1 protein (p.Pro659Arg). This variant is not present in population databases (gnomAD no frequency). This variant has not been reported in the literature in individuals affected with COL3A1-related conditions. ClinVar contains an entry for this variant (Variation ID: 919248). Experimental studies and prediction algorithms are not available or were not evaluated, and the functional significance of this variant is currently unknown. In summary, the available evidence is currently insufficient to determine the role of this variant in disease. Therefore, it has been classified as a Variant of Uncertain Significance.

Color Diagnostics, LLC DBA Color Health
Classification: Uncertain significance for Familial thoracic aortic aneurysm and aortic dissection. Last evaluated: 2020-01-17. Review status: criteria provided, single submitter. Criteria: ACMG Guidelines, 2015. Collection method: clinical testing. Allele origin: germline.
Comment: This missense variant replaces proline with arginine at codon 659 of the COL3A1 protein. Computational prediction suggests that this variant may not impact protein structure and function (internally defined REVEL score threshold <= 0.5, PMID: 27666373). Splice site prediction tools suggest that this variant may not impact RNA splicing. To our knowledge, functional studies have not been performed for this variant. This variant has not been reported in individuals affected with cardiovascular disorders in the literature. This variant has not been identified in the general population by the Genome Aggregation Database (gnomAD). The available evidence is insufficient to determine the role of this variant in disease conclusively. Therefore, this variant is classified as a Variant of Uncertain Significance.

NM_000090.4(COL3A1):c.1976C>G (p.Pro659Arg)

Gene: COL3A1 (collagen type III alpha 1 chain; plus strand). Cytogenetic location: 2q32.2.
Variant type: single nucleotide variant.
Coding change: c.1976C>G on transcript NM_000090.4 (MANE Select); coding-DNA position 1976, C replaced by G.
Protein change: p.Pro659Arg; replaces proline 659 with arginine.
Molecular consequence: missense variant.
Genome position (GRCh38, 1-based): chr2:188,998,318, C>G. VCF-style: chr2-188998318-C-G. GRCh37 (hg19) VCF-style: chr2-189863044-C-G.
Other names: short protein forms P659R.
Identifiers: ClinVar variation 919248 (VCV000919248.4), dbSNP rs756822808, ClinGen allele CA349854179.